The following is an entry in ClinVar:

NM_001283009.2(RTEL1):c.1397A>G (p.Glu466Gly)

Genes: RTEL1 (regulator of telomere elongation helicase 1; plus strand), RTEL1-TNFRSF6B (RTEL1-TNFRSF6B readthrough (NMD candidate); plus strand). Cytogenetic location: 20q13.33.
Variant type: single nucleotide variant.
Coding change: c.1397A>G on transcript NM_001283009.2 (MANE Select); coding-DNA position 1397, A replaced by G.
Protein change: p.Glu466Gly; replaces glutamic acid 466 with glycine.
Molecular consequence: missense variant. On other transcripts: non-coding transcript variant (1).
Genome position (GRCh38, 1-based): chr20:63,687,686, A>G. VCF-style: chr20-63687686-A-G. GRCh37 (hg19) VCF-style: chr20-62319039-A-G.
Other names: c.728A>G, p.Glu243Gly (NM_001283010.1); c.1397A>G, p.Glu466Gly (NM_016434.4); c.1469A>G, p.Glu490Gly (NM_032957.5); short protein forms E243G, E466G, E490G.
Identifiers: ClinVar variation 5028493 (VCV005028493.1).
Genomic context (GRCh38, chr20:63,687,686, plus strand): 5'-CCCGCCCCACAGGGAAGGTGCTGAGCTACTGGTGCTTCAGTCCCGGCCACAGCATGCACG[A>G]GCTGGTCCGCCAGGGCGTCCGCTCCCTCATCCTTACCAGCGGCACGCTGGCCCCGGTGTC-3'
Protein context (NP_001269938.1, residues 456-476): WCFSPGHSMH[Glu466Gly]LVRQGVRSLI

ClinVar aggregate classification (germline): Uncertain significance (1 of 4 stars; one submission).

Conditions:
Inborn genetic diseases. Identifiers: MedGen C0950123, MeSH D030342.

gnomAD v4.1: 1 of 1,608,960 alleles (0.000062%); highest among the groups gnomAD compares: East Asian, 0.0022%; no homozygotes.

Submission:

Ambry Genetics
Classification: Uncertain significance for Inborn genetic diseases. Last evaluated: 2026-07-25. Review status: criteria provided, single submitter. Criteria: Ambry Variant Classification Scheme 2023. Collection method: clinical testing. Allele origin: germline.
Comment: The p.E466G variant (also known as c.1397A>G), located in coding exon 16 of the RTEL1 gene, results from an A to G substitution at nucleotide position 1397. The glutamic acid at codon 466 is replaced by glycine, an amino acid with similar properties. This amino acid position is conserved. In addition, the in silico prediction for this alteration is inconclusive. Based on the available evidence, the clinical significance of this variant remains unclear.